The following is an entry in ClinVar:

ClinVar aggregate classification (germline): Uncertain significance (1 of 4 stars; one submission).

Conditions:
Familial hemiplegic migraine. Identifiers: MedGen C0338484, MONDO:0000700.

Submission:

Labcorp Genetics (formerly Invitae), Labcorp
Classification: Uncertain significance for Familial hemiplegic migraine. Last evaluated: 2017-08-17. Review status: criteria provided, single submitter. Criteria: Invitae Variant Classification Sherloc (09022015). Collection method: clinical testing. Allele origin: germline.
Comment: In summary, the available evidence is currently insufficient to determine the role of this variant in disease. Therefore, it has been classified as a Variant of Uncertain Significance. Algorithms developed to predict the effect of missense changes on protein structure and function (SIFT, PolyPhen-2, Align-GVGD) all suggest that this variant is likely to be disruptive, but these predictions have not been confirmed by published functional studies and their clinical significance is uncertain. This variant has not been reported in the literature in individuals with ATP1A2-related disease. This variant is not present in population databases (ExAC no frequency). This sequence change replaces leucine with arginine at codon 809 of the ATP1A2 protein (p.Leu809Arg). The leucine residue is highly conserved and there is a moderate physicochemical difference between leucine and arginine.

NM_000702.4(ATP1A2):c.2426T>G (p.Leu809Arg)

Gene: ATP1A2 (ATPase Na+/K+ transporting subunit alpha 2; plus strand). Cytogenetic location: 1q23.2.
Variant type: single nucleotide variant.
Coding change: c.2426T>G on transcript NM_000702.4 (MANE Select); coding-DNA position 2426, T replaced by G.
Protein change: p.Leu809Arg; replaces leucine 809 with arginine.
Molecular consequence: missense variant.
Genome position (GRCh38, 1-based): chr1:160,135,980, T>G. VCF-style: chr1-160135980-T-G. GRCh37 (hg19) VCF-style: chr1-160105770-T-G.
Other names: short protein forms L809R.
Identifiers: ClinVar variation 529755 (VCV000529755.8), dbSNP rs1553245805, ClinGen allele CA343250889.
Genomic context (GRCh38, chr1:160,135,980, plus strand): 5'-TGTTCATCATTGCCAACATCCCCCTACCTCTGGGCACTGTGACCATCCTTTGCATTGACC[T>G]GGGCACAGATATGGTGAGCGCAGGAGGTGGAGGAGGGGACAGGCAAGGCAATCGTGATGG-3'
Protein context (NP_000693.1, residues 799-819): LGTVTILCID[Leu809Arg]GTDMVPAISL